The following is an entry in ClinVar:

NM_000059.4(BRCA2):c.5754_5755del (p.His1918fs)

Gene: BRCA2 (BRCA2 DNA repair associated; plus strand). Cytogenetic location: 13q13.1.
Variant type: Deletion.
Coding change: c.5754_5755del on transcript NM_000059.4 (MANE Select); coding-DNA positions 5754 to 5755, 2 bases deleted (TA; older notation c.5754_5755delTA).
Protein change: p.His1918fs; shifts the reading frame from histidine 1918.
Molecular consequence: frameshift variant.
Genome position (GRCh38, 1-based): chr13:32,340,109-32,340,110, TA deleted; deleting any 2 consecutive bases within chr13:32,340,108-32,340,110 gives the same sequence; the c. name uses the placement nearest the transcript's 3' end. VCF-style (leftmost placement, unchanged base first): chr13-32340107-CAT-C. GRCh37 (hg19) VCF-style: chr13-32914244-CAT-C.
Other names: c.5754_5755delTA (NM_000059.3).
Identifiers: ClinVar variation 51929 (VCV000051929.49), dbSNP rs397507803, ClinGen allele CA023161.

ClinVar aggregate classification (germline): Pathogenic. Review status: reviewed by expert panel (3 of 4 stars). 13 submissions from 13 submitters: Pathogenic (1). 12 of the submissions do not count toward it. Last evaluated 2016-09-08.

Conditions:
Hereditary cancer-predisposing syndrome. Also called: Neoplastic Syndromes, Hereditary; Tumor predisposition; Hereditary neoplastic syndrome; Hereditary Cancer Syndrome. Identifiers: Orphanet 140162, MedGen C0027672, MeSH D009386, MONDO:0015356.
Hereditary breast ovarian cancer syndrome. Also called: Hereditary breast and ovarian cancer syndrome; Hereditary breast and ovarian cancer; Hereditary breast and ovarian cancer syndrome (HBOC); Breast and ovarian cancer; Hereditary breast and/or ovarian cancer syndrome; BRCA1- and BRCA2-Associated Hereditary Breast and Ovarian Cancer. Identifiers: Orphanet 145, MedGen C0677776, MeSH D061325, MONDO:0003582. Disease mechanism: loss of function.
Familial cancer of breast. Also called: BREAST CANCER, FAMILIAL; Hereditary breast cancer; hereditary breast carcinoma. Identifiers: Orphanet 227535, MedGen C0346153, MONDO:0016419, OMIM 114480. Disease mechanism: loss of function.
Breast-ovarian cancer, familial, susceptibility to, 2 (BROVCA2). Also called: BRCA2 Hereditary Breast and Ovarian Cancer. Identifiers: Orphanet 145, MedGen C2675520, MONDO:0012933, OMIM 612555. Disease mechanism: loss of function.

Submissions (13):

Evidence-based Network for the Interpretation of Germline Mutant Alleles (ENIGMA)
Classification: Pathogenic for Breast-ovarian cancer, familial, susceptibility to, 2. Last evaluated: 2016-09-08. Review status: reviewed by expert panel. Criteria: ENIGMA BRCA1/2 Classification Criteria (2015). Collection method: curation. Allele origin: germline.
Comment: Variant allele predicted to encode a truncated non-functional protein.

Center for Genomic Medicine, Rigshospitalet, Copenhagen University Hospital
Classification: Pathogenic. Last evaluated: 2025-12-29. Review status: criteria provided, single submitter. Criteria: ACMG Guidelines, 2015. Collection method: clinical testing. Allele origin: germline. Not counted in ClinVar's aggregate classification.

Women's Health and Genetics/Laboratory Corporation of America, LabCorp
Classification: Pathogenic for Hereditary breast ovarian cancer syndrome. Last evaluated: 2025-04-29. Review status: criteria provided, single submitter. Criteria: LabCorp Variant Classification Summary - May 2015. Collection method: clinical testing. Allele origin: germline. Not counted in ClinVar's aggregate classification.
Comment: Variant summary: BRCA2 c.5754_5755delTA (p.His1918GlnfsX5) results in a premature termination codon, predicted to cause a truncation of the encoded protein or absence of the protein due to nonsense mediated decay, which are commonly known mechanisms for disease. The variant allele was found at a frequency of 4e-06 in 250898 control chromosomes (gnomAD). c.5754_5755delTA has been observed in individual(s) affected with Hereditary Breast and Ovarian Cancer Syndrome (fverholm_2023). These data indicate that the variant is likely to be associated with disease. To our knowledge, no experimental evidence demonstrating an impact on protein function has been reported. The following publication has been ascertained in the context of this evaluation (PMID: 37563628). ClinVar contains an entry for this variant (Variation ID: 51929). Based on the evidence outlined above, the variant was classified as pathogenic.

Ambry Genetics
Classification: Pathogenic for Hereditary cancer-predisposing syndrome. Last evaluated: 2024-11-27. Review status: criteria provided, single submitter. Criteria: Ambry Variant Classification Scheme 2023. Collection method: clinical testing. Allele origin: germline. Not counted in ClinVar's aggregate classification.
Comment: The c.5754_5755delTA pathogenic mutation, located in coding exon 10 of the BRCA2 gene, results from a deletion of two nucleotides at nucleotide positions 5754 to 5755, causing a translational frameshift with a predicted alternate stop codon (p.H1918Qfs*5). This variant is considered to be rare based on population cohorts in the Genome Aggregation Database (gnomAD). This alteration is expected to result in loss of function by premature protein truncation or nonsense-mediated mRNA decay. As such, this alteration is interpreted as a disease-causing mutation.

Department of Clinical Genetics, Copenhagen University Hospital, Rigshospitalet
Classification: Pathogenic for Breast-ovarian cancer, familial, susceptibility to, 2. Last evaluated: 2024-05-27. Review status: criteria provided, single submitter. Criteria: ACMG Guidelines, 2015. Collection method: clinical testing. Allele origin: germline. Affected: yes. Not counted in ClinVar's aggregate classification.
Comment: PVS1; PM5_PTC_Strong

Baylor Genetics
Classification: Pathogenic for Familial cancer of breast. Last evaluated: 2023-02-07. Review status: criteria provided, single submitter. Criteria: ACMG Guidelines, 2015. Collection method: clinical testing. Allele origin: unknown. Not counted in ClinVar's aggregate classification.

Clinical Genetics Laboratory, Skane University Hospital Lund
Classification: Pathogenic. Last evaluated: 2022-05-27. Review status: criteria provided, single submitter. Criteria: ACMG Guidelines, 2015. Collection method: clinical testing. Allele origin: germline. Affected: yes. Not counted in ClinVar's aggregate classification.

Labcorp Genetics (formerly Invitae), Labcorp
Classification: Pathogenic for Hereditary breast ovarian cancer syndrome. Last evaluated: 2022-01-05. Review status: criteria provided, single submitter. Criteria: Invitae Variant Classification Sherloc (09022015). Collection method: clinical testing. Allele origin: germline. Not counted in ClinVar's aggregate classification.
Comment: ClinVar contains an entry for this variant (Variation ID: 51929). This sequence change creates a premature translational stop signal (p.His1918Glnfs*5) in the BRCA2 gene. It is expected to result in an absent or disrupted protein product. Loss-of-function variants in BRCA2 are known to be pathogenic (PMID: 20104584). This variant is present in population databases (rs760373350, gnomAD 0.0009%). This premature translational stop signal has been observed in individual(s) with a personal and family history of breast cancer and increased risk of breast and/or ovarian cancer (PMID: 21318380, 29446198). For these reasons, this variant has been classified as Pathogenic.

Color Diagnostics, LLC DBA Color Health
Classification: Pathogenic for Hereditary cancer-predisposing syndrome. Last evaluated: 2020-05-14. Review status: criteria provided, single submitter. Criteria: ACMG Guidelines, 2015. Collection method: clinical testing. Allele origin: germline. Not counted in ClinVar's aggregate classification.
Comment: This variant deletes 2 nucleotides in exon 11 of the BRCA2 gene, creating a frameshift and premature translation stop signal. This variant is expected to result in an absent or non-functional protein product. To our knowledge, this variant has not been reported in individuals affected with hereditary cancer in the literature. This variant has been identified in 1/250898 chromosomes in the general population by the Genome Aggregation Database (gnomAD). Loss of BRCA2 function is a known mechanism of disease. Based on the available evidence, this variant is classified as Pathogenic.

Clinical Genetics and Genomics, Karolinska University Hospital
Classification: Pathogenic. Last evaluated: 2017-09-21. Review status: criteria provided, single submitter. Criteria: ACMG Guidelines, 2015. Collection method: clinical testing. Allele origin: germline. Affected: yes. Observed: 12 variant alleles. Not counted in ClinVar's aggregate classification.

Consortium of Investigators of Modifiers of BRCA1/2 (CIMBA), c/o University of Cambridge
Classification: Pathogenic for Breast-ovarian cancer, familial, susceptibility to, 2. Last evaluated: 2015-10-02. Review status: criteria provided, single submitter. Criteria: CIMBA Mutation Classification guidelines May 2016. Collection method: clinical testing. Allele origin: germline. Not counted in ClinVar's aggregate classification.

Laboratory for Molecular Medicine, Mass General Brigham Personalized Medicine
Classification: Pathogenic for Hereditary breast ovarian cancer syndrome. Last evaluated: 2015-03-23. Review status: criteria provided, single submitter. Criteria: ACMG Guidelines, 2015. Collection method: clinical testing. Allele origin: germline. Inheritance: Autosomal dominant inheritance. Not counted in ClinVar's aggregate classification.
Comment: This variant has also been identified in 1/66606 of European chromosomes by the Exome Aggregation Consortium (ExAC; dbSNP rs397507803). This variant is predicted to cause a frameshift, which alters the protein’s amino acid sequence beginning at position 1918 and leads to a premature termination codon 5 amino acids downstream. This alteration is then predicted to lead to a truncated or absent protein. Heterozygous loss of BRCA2 function an established disease mechanism in BRCA2-associated cancers. In summary, the p.His1918fs variant meets our criteria to be classified as pathogenic for BRCA2-associated cancers in autosomal dominant manner based upon its predicted impact to the protein and low frequency in controls.

BRCAlab, Lund University
Classification: Pathogenic for Breast-ovarian cancer, familial, susceptibility to, 2. Last evaluated: 2022-08-26. Review status: no assertion criteria provided. Collection method: clinical testing. Allele origin: germline. Affected: yes. Not counted in ClinVar's aggregate classification.

Literature cited by the submitters: PubMed 21318380 (cited by 4 submitters); PubMed 34680387 (cited by Center for Genomic Medicine, Rigshospitalet, Copenhagen University Hospital); PubMed 37563628 (cited by Women's Health and Genetics/Laboratory Corporation of America, LabCorp); PubMed 20104584 (cited by Labcorp Genetics (formerly Invitae), Labcorp); PubMed 29446198 (cited by Labcorp Genetics (formerly Invitae), Labcorp).